The following is an entry in ClinVar:

ClinVar aggregate classification (germline): Likely benign. Review status: reviewed by expert panel (3 of 4 stars). 5 submissions from 5 submitters: Likely benign (1). 4 of the submissions do not count toward it. Last evaluated 2025-04-10.

Conditions:
Inborn genetic diseases. Identifiers: MedGen C0950123, MeSH D030342.
Arginine:glycine amidinotransferase deficiency (CCDS3). Also called: AGAT deficiency; L-Arginine:Glycine Amidinotransferase (AGAT) Deficiency; Cerebral creatine deficiency syndrome 3; L-Arginine:Glycine Amidinotransferase Deficiency; Creatine deficiency syndrome due to AGAT deficiency; GATM deficiency. Identifiers: Orphanet 35704, MedGen C2675179, MONDO:0012996, OMIM 612718.

Allele frequency attached by ClinVar (database versions not stated): ExAC 0.00009; gnomAD exomes 0.00010; ESP Exome Variant Server 0.00015; TOPMed 0.00015; gnomAD 0.00016 and 0.00017.
gnomAD v4.1: 347 of 1,613,966 alleles (0.021%); highest among the groups gnomAD compares: Non-Finnish European, 0.027%; no homozygotes.

Submissions (6):

ClinGen Cerebral Creatine Deficiency Syndromes Variant Curation Expert Panel, ClinGen
Classification: Likely benign for Arginine:glycine amidinotransferase deficiency. Last evaluated: 2025-04-10. Review status: reviewed by expert panel. Criteria: ClinGen CCDS ACMG Specifications GATM V2.0.0. Collection method: curation. Allele origin: germline. Inheritance: Autosomal recessive inheritance.
Comment: The NM_001482.3:c.692C>G variant in GATM is a missense variant predicted to cause the substitution of a serine by a cysteine at amino acid position 231 (p.Ser231Cys). To our knowledge, this variant has not be reported in the literature in an individual with AGAT deficiency. The Grpmax Filtering Allele Frequency (95% confidence) in gnomAD v4.1.0. is 0.0002459 (347/1613966 alleles) in the European non-Finnish population. This is higher than the ClinGen CCDS VCEP’s threshold for BS1 (>0.0001), and therefore meets this criterion (BS1). Expression of the variant in HeLa cells resulted in 100% wild type AGAT activity indicating that this variant does not impact protein function (PMID: 27233232) (BS3_Supporting). The computational predictor REVEL gives a score of 0.078 which is below the threshold of 0.29, evidence that does not predict a damaging effect on AGAT function. In addition, SpliceAI predicts that the variant has no impact on splicing (BP4). There is a ClinVar entry for this variant (Variation ID: 205616). In summary, this variant meets the criteria to be classified as likely benign for AGAT deficiency based on the ACMG/AMP criteria applied, as specified by the ClinGen Cerebral Creatine Deficiency Syndromes Variant Curation Expert Panel (Specifications Version 2.0.0): BS1, BS3_Supporting, BP4. (Classification approved by the ClinGen Cerebral Creatine Deficiency Syndromes Variant Curation Expert Panel on April 10, 2025).

Labcorp Genetics (formerly Invitae), Labcorp
Classification: Uncertain significance for Arginine:glycine amidinotransferase deficiency. Last evaluated: 2025-01-27. Review status: criteria provided, single submitter. Criteria: Invitae Variant Classification Sherloc (09022015). Collection method: clinical testing. Allele origin: germline. Not counted in ClinVar's aggregate classification.
Comment: This sequence change replaces serine, which is neutral and polar, with cysteine, which is neutral and slightly polar, at codon 231 of the GATM protein (p.Ser231Cys). This variant is present in population databases (rs202225656, gnomAD 0.02%). This variant has not been reported in the literature in individuals affected with GATM-related conditions. ClinVar contains an entry for this variant (Variation ID: 205616). Invitae Evidence Modeling of protein sequence and biophysical properties (such as structural, functional, and spatial information, amino acid conservation, physicochemical variation, residue mobility, and thermodynamic stability) indicates that this missense variant is not expected to disrupt GATM protein function with a negative predictive value of 95%. Experimental studies have shown that this missense change does not substantially affect GATM function (PMID: 27233232). In summary, the available evidence is currently insufficient to determine the role of this variant in disease. Therefore, it has been classified as a Variant of Uncertain Significance.

Ambry Genetics
Classification: Uncertain significance for Inborn genetic diseases. Last evaluated: 2025-01-15. Review status: criteria provided, single submitter. Criteria: Ambry Variant Classification Scheme 2023. Collection method: clinical testing. Allele origin: germline. Not counted in ClinVar's aggregate classification.
Comment: Unlikely to be causative of GATM-related Fanconi renotubular syndrome (AD) Based on insufficient or conflicting evidence, the clinical significance of this alteration remains unclear.

GeneDx
Classification: Likely benign. Last evaluated: 2021-09-17. Review status: criteria provided, single submitter. Criteria: GeneDx Variant Classification Process June 2021. Collection method: clinical testing. Allele origin: germline. Affected: yes. Not counted in ClinVar's aggregate classification.
Comment: In silico analysis, which includes protein predictors and evolutionary conservation, supports that this variant does not alter protein structure/function This variant is associated with the following publications: (PMID: 27233232)

Eurofins Ntd Llc (ga)
Classification: Uncertain significance. Last evaluated: 2017-02-20. Review status: criteria provided, single submitter. Criteria: EGL Classification Definitions 2015. Collection method: clinical testing. Allele origin: germline. Observed: 1 variant allele, 1 heterozygote. Not counted in ClinVar's aggregate classification.

Hospital for Sick Children
No classification provided (evidence only). Review status: no classification provided. Collection method: in vitro. Allele origin: not applicable. Functional consequence: no known functional consequence. Not counted in ClinVar's aggregate classification.
ClinVar note: "not provided" was previously submitted as the classification for the variant. However, the classification appeared to be based only on an observation of functional data so it was converted to no classification on 2025-07-30.

Literature cited by the submitters: PubMed 27233232 (cited by 3 submitters).

NM_001482.3(GATM):c.692C>G (p.Ser231Cys)

Gene: GATM (glycine amidinotransferase; minus strand). Cytogenetic location: 15q21.1.
Variant type: single nucleotide variant.
Coding change: c.692C>G on transcript NM_001482.3 (MANE Select); coding-DNA position 692, C replaced by G.
Protein change: p.Ser231Cys; replaces serine 231 with cysteine.
Molecular consequence: missense variant.
Genome position (GRCh38, 1-based): chr15:45,366,492, G>C on the plus strand (C>G on the coding strand, the complement: GATM is on the minus strand). VCF-style: chr15-45366492-G-C. GRCh37 (hg19) VCF-style: chr15-45658690-G-C.
Other names: p.S231C:TCT>TGT; NM_001482.3(GATM):c.692C>G; c.305C>G, p.Ser102Cys (NM_001321015.2); short protein forms S231C, S102C.
Identifiers: ClinVar variation 205616 (VCV000205616.19), dbSNP rs202225656, ClinGen allele CA314874.